The following is an entry in ClinVar:

ClinVar aggregate classification (germline): Uncertain significance. Review status: criteria provided, multiple submitters, no conflicts (2 of 4 stars). 2 submissions from 2 submitters: Uncertain significance (2). Last evaluated 2025-04-09.

Conditions:
Beta-D-mannosidosis (MANSB). Also called: Beta-Mannosidosis; MANNOSIDOSIS, BETA A, LYSOSOMAL; BETA-MANNOSIDASE DEFICIENCY; LYSOSOMAL BETA-MANNOSIDASE DEFICIENCY. Identifiers: Orphanet 118, MedGen C4048196, MONDO:0009562, OMIM 248510.
Inborn genetic diseases. Identifiers: MedGen C0950123, MeSH D030342.

Allele frequency attached by ClinVar (database versions not stated): TOPMed 0.00002; gnomAD exomes 0.00001; gnomAD 0.00001.
gnomAD v4.1: 12 of 1,614,046 alleles (0.00074%); highest among the groups gnomAD compares: Non-Finnish European, 0.001%; no homozygotes.

Submissions (2):

Ambry Genetics
Classification: Uncertain significance for Inborn genetic diseases. Last evaluated: 2025-04-09. Review status: criteria provided, single submitter. Criteria: Ambry Variant Classification Scheme 2023. Collection method: clinical testing. Allele origin: germline.

Labcorp Genetics (formerly Invitae), Labcorp
Classification: Uncertain significance for Beta-D-mannosidosis. Last evaluated: 2025-04-07. Review status: criteria provided, single submitter. Criteria: Invitae Variant Classification Sherloc (09022015). Collection method: clinical testing. Allele origin: germline.
Comment: This sequence change replaces serine, which is neutral and polar, with proline, which is neutral and non-polar, at codon 139 of the MANBA protein (p.Ser139Pro). This variant is not present in population databases (gnomAD no frequency). This variant has not been reported in the literature in individuals affected with MANBA-related conditions. ClinVar contains an entry for this variant (Variation ID: 2183430). Invitae Evidence Modeling of protein sequence and biophysical properties (such as structural, functional, and spatial information, amino acid conservation, physicochemical variation, residue mobility, and thermodynamic stability) indicates that this missense variant is not expected to disrupt MANBA protein function with a negative predictive value of 80%. In summary, the available evidence is currently insufficient to determine the role of this variant in disease. Therefore, it has been classified as a Variant of Uncertain Significance.

NM_005908.4(MANBA):c.415T>C (p.Ser139Pro)

Gene: MANBA (mannosidase beta; minus strand). Cytogenetic location: 4q24.
Variant type: single nucleotide variant.
Coding change: c.415T>C on transcript NM_005908.4 (MANE Select); coding-DNA position 415, T replaced by C.
Protein change: p.Ser139Pro; replaces serine 139 with proline.
Molecular consequence: missense variant.
Genome position (GRCh38, 1-based): chr4:102,723,005, A>G on the plus strand (T>C on the coding strand, the complement: MANBA is on the minus strand). VCF-style: chr4-102723005-A-G. GRCh37 (hg19) VCF-style: chr4-103644162-A-G.
Other names: c.415T>C (NM_005908.3); short protein forms S139P.
Identifiers: ClinVar variation 2183430 (VCV002183430.3), dbSNP rs1007859913, ClinGen allele CA103130030.